The following is an entry in ClinVar:

ClinVar aggregate classification (germline): Uncertain significance (1 of 4 stars; one submission).

Submission:

Labcorp Genetics (formerly Invitae), Labcorp
Classification: Uncertain significance. Last evaluated: 2023-10-27. Review status: criteria provided, single submitter. Criteria: Invitae Variant Classification Sherloc (09022015). Collection method: clinical testing. Allele origin: germline.
Comment: This sequence change replaces alanine, which is neutral and non-polar, with valine, which is neutral and non-polar, at codon 226 of the THBD protein (p.Ala226Val). This variant is not present in population databases (gnomAD no frequency). This variant has not been reported in the literature in individuals affected with THBD-related conditions. Advanced modeling of protein sequence and biophysical properties (such as structural, functional, and spatial information, amino acid conservation, physicochemical variation, residue mobility, and thermodynamic stability) performed at Invitae indicates that this missense variant is not expected to disrupt THBD protein function with a negative predictive value of 80%. In summary, the available evidence is currently insufficient to determine the role of this variant in disease. Therefore, it has been classified as a Variant of Uncertain Significance.

NM_000361.3(THBD):c.677C>T (p.Ala226Val)

Gene: THBD (thrombomodulin; minus strand). Cytogenetic location: 20p11.21.
Variant type: single nucleotide variant.
Coding change: c.677C>T on transcript NM_000361.3 (MANE Select); coding-DNA position 677, C replaced by T.
Protein change: p.Ala226Val; replaces alanine 226 with valine.
Molecular consequence: missense variant.
Genome position (GRCh38, 1-based): chr20:23,048,828, G>A on the plus strand (C>T on the coding strand, the complement: THBD is on the minus strand). VCF-style: chr20-23048828-G-A. GRCh37 (hg19) VCF-style: chr20-23029465-G-A.
Other names: short protein forms A226V.
Identifiers: ClinVar variation 2870281 (VCV002870281.3), dbSNP rs1456326286, ClinGen allele CA408407181.